The following is an entry in ClinVar:

NM_004006.3(DMD):c.3132G>A (p.Glu1044=)

Gene: DMD (dystrophin; minus strand). Cytogenetic location: Xp21.1.
Variant type: single nucleotide variant.
Coding change: c.3132G>A on transcript NM_004006.3 (MANE Select); coding-DNA position 3132, G replaced by A.
Protein change: p.Glu1044=; no amino-acid change (glutamic acid 1044 retained).
Molecular consequence: synonymous variant.
Genome position (GRCh38, 1-based): chrX:32,468,528, C>T on the plus strand (G>A on the coding strand, the complement: DMD is on the minus strand). VCF-style: chrX-32468528-C-T. GRCh37 (hg19) VCF-style: chrX-32486645-C-T.
Other names: c.3108G>A, p.Glu1036= (NM_000109.4); c.3120G>A, p.Glu1040= (NM_004009.3); c.2763G>A, p.Glu921= (NM_004010.3).
Identifiers: ClinVar variation 705952 (VCV000705952.38), dbSNP rs758283681, ClinGen allele CA10379355.

ClinVar aggregate classification (germline): Likely benign. Review status: criteria provided, multiple submitters, no conflicts (2 of 4 stars). 4 submissions from 4 submitters: Likely benign (3). 1 of the submissions does not count toward it. Last evaluated 2026-01-15.

Conditions:
Duchenne muscular dystrophy (DMD). Also called: MUSCULAR DYSTROPHY, PSEUDOHYPERTROPHIC PROGRESSIVE, DUCHENNE TYPE; Duchenne Muscular Dystrophy (DMD). Identifiers: Orphanet 98896, MedGen C0013264, MONDO:0010679, OMIM 310200.
Dystrophin deficiency.
Becker muscular dystrophy (BMD). Also called: Becker Muscular Dystrophy (BMD); MUSCULAR DYSTROPHY, PSEUDOHYPERTROPHIC PROGRESSIVE, BECKER TYPE. Identifiers: Orphanet 98895, MedGen C0917713, MONDO:0010311, OMIM 300376.
Cardiomyopathy (CMYO). Also called: Cardiomyopathies. Identifiers: Orphanet 167848, MedGen C0878544, MONDO:0004994, HP:0001638. Inheritance: Various modes of inheritance.
Cardiovascular phenotype. Identifiers: MedGen CN230736.

Allele frequency attached by ClinVar (database versions not stated): gnomAD exomes 0.00002; ExAC 0.00003; gnomAD 0.00003; TOPMed 0.00005.
gnomAD v4.1: 71 of 1,207,272 alleles (0.0059%); highest among the groups gnomAD compares: African/African-American, 0.011%; no homozygotes.

Submissions (4):

Labcorp Genetics (formerly Invitae), Labcorp
Classification: Likely benign for Duchenne muscular dystrophy. Last evaluated: 2026-01-15. Review status: criteria provided, single submitter. Criteria: Invitae Variant Classification Sherloc (09022015). Collection method: clinical testing. Allele origin: germline.

CeGaT Center for Human Genetics Tuebingen
Classification: Likely benign. Last evaluated: 2025-11-01. Review status: criteria provided, single submitter. Criteria: CeGaT Center For Human Genetics Tuebingen Variant Classification Criteria Version 2. Collection method: clinical testing. Allele origin: germline. Affected: yes. Observed: 2 variant alleles.
Comment: DMD: BP4, BP7, BS2

Ambry Genetics
Classification: Likely benign for Cardiovascular phenotype. Last evaluated: 2021-11-30. Review status: criteria provided, single submitter. Criteria: Ambry Variant Classification Scheme 2023. Collection method: clinical testing. Allele origin: germline.

Natera, Inc.
Classification: Likely benign for Becker muscular dystrophy; Cardiomyopathy; Duchenne muscular dystrophy; Dystrophin deficiency. Last evaluated: 2020-07-31. Review status: no assertion criteria provided. Collection method: clinical testing. Allele origin: germline. Not counted in ClinVar's aggregate classification.